The following is an entry in ClinVar:

ClinVar aggregate classification (germline): Conflicting classifications of pathogenicity. Review status: criteria provided, conflicting classifications (1 of 4 stars). 2 submissions from 2 submitters: Likely pathogenic (1); Uncertain significance (1). Last evaluated 2026-05-28.

Conditions:
Charcot-Marie-Tooth disease type 2. Also called: Charcot-Marie-Tooth type 2. Identifiers: Orphanet 64746, MedGen C0270914, MONDO:0018993.
Charcot-Marie-Tooth disease axonal type 2N (CMT2N). Also called: Charcot-Marie-Tooth Neuropathy Type 2N; CHARCOT-MARIE-TOOTH DISEASE, AXONAL, AUTOSOMAL DOMINANT, TYPE 2N; CHARCOT-MARIE-TOOTH NEUROPATHY, AXONAL, TYPE 2N. Identifiers: Orphanet 228174, MedGen C2750090, MONDO:0013212, OMIM 613287.

Allele frequency attached by ClinVar (database versions not stated): TOPMed below 0.00001; gnomAD 0.00001.
gnomAD v4.1: 6 of 1,614,030 alleles (0.00037%); highest among the groups gnomAD compares: Non-Finnish European, 0.00042%; no homozygotes.

Submissions (2):

Human Genetics Bochum, Ruhr University Bochum
Classification: Likely pathogenic for Charcot-Marie-Tooth disease axonal type 2N. Last evaluated: 2026-05-28. Review status: criteria provided, single submitter. Criteria: ACMG Guidelines, 2015. Collection method: clinical testing. Allele origin: germline. Affected: yes.
Comment: ACMG criteria used to clasify this variant: PVS1_STR, PM2_SUP

Labcorp Genetics (formerly Invitae), Labcorp
Classification: Uncertain significance for Charcot-Marie-Tooth disease type 2. Last evaluated: 2024-09-12. Review status: criteria provided, single submitter. Criteria: Invitae Variant Classification Sherloc (09022015). Collection method: clinical testing. Allele origin: germline.
Comment: This sequence change creates a premature translational stop signal (p.Arg831*) in the AARS gene. It is expected to result in an absent or disrupted protein product. However, the current clinical and genetic evidence is not sufficient to establish whether loss-of-function variants in AARS cause disease. This variant is not present in population databases (gnomAD no frequency). This variant has not been reported in the literature in individuals affected with AARS-related conditions. ClinVar contains an entry for this variant (Variation ID: 1682118). In summary, the available evidence is currently insufficient to determine the role of this variant in disease. Therefore, it has been classified as a Variant of Uncertain Significance.

NM_001605.3(AARS1):c.2491C>T (p.Arg831Ter)

Gene: AARS1 (alanyl-tRNA synthetase 1; minus strand). Cytogenetic location: 16q22.1.
Variant type: single nucleotide variant.
Coding change: c.2491C>T on transcript NM_001605.3 (MANE Select); coding-DNA position 2491, C replaced by T.
Protein change: p.Arg831Ter; replaces arginine 831 with a stop codon.
Molecular consequence: nonsense.
Genome position (GRCh38, 1-based): chr16:70,253,948, G>A on the plus strand (C>T on the coding strand, the complement: AARS1 is on the minus strand). VCF-style: chr16-70253948-G-A. GRCh37 (hg19) VCF-style: chr16-70287851-G-A.
Other names: short protein forms R831*.
Identifiers: ClinVar variation 1682118 (VCV001682118.7), dbSNP rs1959913185, ClinGen allele CA396555238.
Genomic context (GRCh38, chr16:70,253,948, plus strand): 5'-CACTCTGGCCACTGGTGCTGCCAGGACTCACTCGTTTCTGGACATCGGCTTTGCTGGCTC[G>A]GTCCAAGTCATCCATGACCTTCTTTAGGGATTTGAGAGTCTCCCGCAATTCATCCTTCTG-3'